The following is an entry in ClinVar:

NM_020207.7(ERCC6L2):c.577T>C (p.Ser193Pro)

Gene: ERCC6L2 (ERCC excision repair 6 like 2; plus strand). Cytogenetic location: 9q22.32.
Variant type: single nucleotide variant.
Coding change: c.577T>C on transcript NM_020207.7 (MANE Select); coding-DNA position 577, T replaced by C.
Protein change: p.Ser193Pro; replaces serine 193 with proline.
Molecular consequence: missense variant. On other transcripts: non-coding transcript variant (1).
Genome position (GRCh38, 1-based): chr9:95,897,954, T>C. VCF-style: chr9-95897954-T-C. GRCh37 (hg19) VCF-style: chr9-98660236-T-C.
Other names: c.577T>C, p.Ser193Pro (NM_001010895.4, NM_001375291.1, NM_001375292.1 and 2 more transcripts); short protein forms S193P.
Identifiers: ClinVar variation 4019373 (VCV004019373.1).
Genomic context (GRCh38, chr9:95,897,954, plus strand): 5'-GAGGATATTGAAAATAACATGCCAGAGTTTTTACTAAGAAGTATGAAAAAGGAACCCCTT[T>C]CTTCTACAGCAAAAAAGGTAAAATCTCTAGACAATGTATATTCTACTCATGATGCTGGTA-3'
Protein context (NP_064592.3, residues 183-203): LLRSMKKEPL[Ser193Pro]STAKKMFLIV

ClinVar aggregate classification (germline): Uncertain significance (1 of 4 stars; one submission).

Conditions:
Inborn genetic diseases. Identifiers: MedGen C0950123, MeSH D030342.

Submission:

Ambry Genetics
Classification: Uncertain significance for Inborn genetic diseases. Last evaluated: 2025-05-23. Review status: criteria provided, single submitter. Criteria: Ambry Variant Classification Scheme 2023. Collection method: clinical testing. Allele origin: germline.
Comment: The p.S193P variant (also known as c.577T>C), located in coding exon 3 of the ERCC6L2 gene, results from a T to C substitution at nucleotide position 577. The serine at codon 193 is replaced by proline, an amino acid with similar properties. This amino acid position is conserved. In addition, this alteration is predicted to be tolerated by in silico analysis. Based on the available evidence, the clinical significance of this variant remains unclear.